The following is an entry in ClinVar:

ClinVar aggregate classification (germline): Uncertain significance (1 of 4 stars; one submission).

Conditions:
Inborn genetic diseases. Identifiers: MedGen C0950123, MeSH D030342.

Submission:

Ambry Genetics
Classification: Uncertain significance for Inborn genetic diseases. Last evaluated: 2026-08-29. Review status: criteria provided, single submitter. Criteria: Ambry Variant Classification Scheme 2023. Collection method: clinical testing. Allele origin: germline.
Comment: The p.K867R variant (also known as c.2600A>G), located in coding exon 14 of the FANCM gene, results from an A to G substitution at nucleotide position 2600. The lysine at codon 867 is replaced by arginine, an amino acid with highly similar properties. This amino acid position is conserved. In addition, this alteration is predicted to be tolerated by in silico analysis. Based on the available evidence, the clinical significance of this variant remains unclear.

NM_020937.4(FANCM):c.2600A>G (p.Lys867Arg)

Gene: FANCM (FA complementation group M; plus strand). Cytogenetic location: 14q21.2.
Variant type: single nucleotide variant.
Coding change: c.2600A>G on transcript NM_020937.4 (MANE Select); coding-DNA position 2600, A replaced by G.
Protein change: p.Lys867Arg; replaces lysine 867 with arginine.
Molecular consequence: missense variant.
Genome position (GRCh38, 1-based): chr14:45,175,354, A>G. VCF-style: chr14-45175354-A-G. GRCh37 (hg19) VCF-style: chr14-45644557-A-G.
Other names: c.2522A>G, p.Lys841Arg (NM_001308133.2); short protein forms K841R, K867R.
Identifiers: ClinVar variation 5021525 (VCV005021525.1).